The following is an entry in ClinVar:

NM_003072.5(SMARCA4):c.2697G>T (p.Thr899=)

Gene: SMARCA4 (SWI/SNF related BAF chromatin remodeling complex subunit ATPase 4; plus strand). Cytogenetic location: 19p13.2.
Variant type: single nucleotide variant.
Coding change: c.2697G>T on transcript NM_003072.5 (MANE Select); coding-DNA position 2697, G replaced by T.
Protein change: p.Thr899=; no amino-acid change (threonine 899 retained).
Molecular consequence: synonymous variant. On other transcripts: non-coding transcript variant (1).
Genome position (GRCh38, 1-based): chr19:11,021,805, G>T. VCF-style: chr19-11021805-G-T. GRCh37 (hg19) VCF-style: chr19-11132481-G-T.
Other names: c.2697G>T, p.Thr899= (NM_001128844.3, NM_001128845.2, NM_001128846.2 and 5 more transcripts).
Identifiers: ClinVar variation 484866 (VCV000484866.23), dbSNP rs373267815, ClinGen allele CA9204215.

ClinVar aggregate classification (germline): Likely benign. Review status: criteria provided, multiple submitters, no conflicts (2 of 4 stars). 5 submissions from 5 submitters: Likely benign (5). Last evaluated 2026-08-01.

Conditions:
Hereditary cancer-predisposing syndrome. Also called: Hereditary neoplastic syndrome; Tumor predisposition; Neoplastic Syndromes, Hereditary; Hereditary Cancer Syndrome. Identifiers: Orphanet 140162, MedGen C0027672, MeSH D009386, MONDO:0015356.
Rhabdoid tumor predisposition syndrome 2 (RTPS2). Identifiers: Orphanet 231108, Orphanet 69077, MedGen C2750074, MONDO:0013224, OMIM 613325.

Allele frequency attached by ClinVar (database versions not stated): ESP Exome Variant Server 0.00008.
gnomAD v4.1: 9 of 1,613,732 alleles (0.00056%); highest among the groups gnomAD compares: East Asian, 0.0022%; no homozygotes.

Submissions (5):

CeGaT Center for Human Genetics Tuebingen
Classification: Likely benign. Last evaluated: 2026-08-01. Review status: criteria provided, single submitter. Criteria: CeGaT Center For Human Genetics Tuebingen Variant Classification Criteria Version 2. Collection method: clinical testing. Allele origin: germline. Affected: yes. Observed: 1 variant allele.
Comment: SMARCA4: BP4, BP7

Labcorp Genetics (formerly Invitae), Labcorp
Classification: Likely benign for Rhabdoid tumor predisposition syndrome 2. Last evaluated: 2025-10-01. Review status: criteria provided, single submitter. Criteria: Invitae Variant Classification Sherloc (09022015). Collection method: clinical testing. Allele origin: germline.

Blueprint Genetics
Classification: Likely benign. Last evaluated: 2024-03-14. Review status: criteria provided, single submitter. Criteria: ACMG Guidelines, 2015. Collection method: clinical testing. Allele origin: germline.

Sema4
Classification: Likely benign for Hereditary cancer-predisposing syndrome. Last evaluated: 2021-09-16. Review status: criteria provided, single submitter. Criteria: Sema4 Curation Guidelines. Collection method: curation. Allele origin: germline.

Ambry Genetics
Classification: Likely benign for Hereditary cancer-predisposing syndrome. Last evaluated: 2015-11-03. Review status: criteria provided, single submitter. Criteria: Ambry Variant Classification Scheme 2023. Collection method: clinical testing. Allele origin: germline.